The following is an entry in ClinVar:

NM_015338.6(ASXL1):c.1A>C (p.Met1Leu)

Gene: ASXL1 (ASXL transcriptional regulator 1; plus strand). Cytogenetic location: 20q11.21.
Variant type: single nucleotide variant.
Coding change: c.1A>C on transcript NM_015338.6 (MANE Select); coding-DNA position 1, A replaced by C.
Protein change: p.Met1Leu; changes the start codon (methionine 1).
Molecular consequence: missense variant, initiator codon variant.
Genome position (GRCh38, 1-based): chr20:32,358,776, A>C. VCF-style: chr20-32358776-A-C. GRCh37 (hg19) VCF-style: chr20-30946579-A-C.
Other names: c.1A>C, p.Met1Leu (NM_001164603.1); short protein forms M1L.
Identifiers: ClinVar variation 1210912 (VCV001210912.5), dbSNP rs2122754733, ClinGen allele CA408575118.
Genomic context (GRCh38, chr20:32,358,776, plus strand): 5'-GCCCCAGCCCGCCCAGCCCGGAGGTCCCGCGTGGAGCTGCCGCCGCCGCCGGGGAGAAGG[A>C]TGAAGGACAAACAGAAGAAGAAGAAGGAGCGCACGTGGGCCGAGGCCGCGCGCCTGGTGA-3'
Protein context (NP_056153.2, residues 1-11): [Met1Leu]KDKQKKKKER

ClinVar aggregate classification (germline): Uncertain significance (1 of 4 stars; one submission).

Allele frequency attached by ClinVar (database versions not stated): gnomAD exomes 0.00001.

Submission:

GeneDx
Classification: Uncertain significance. Last evaluated: 2024-12-23. Review status: criteria provided, single submitter. Criteria: GeneDx Variant Classification Process June 2021. Collection method: clinical testing. Allele origin: germline. Affected: yes.
Comment: Initiation codon variant in a gene for which loss of function is a known mechanism of disease; however an alternative Methionine exists downstream and the actual effect of this variant on protein function is unknown in the absence of functional studies; Not observed at significant frequency in large population cohorts (gnomAD); Has not been previously published as pathogenic or benign to our knowledge